The following is an entry in ClinVar:

NM_199420.4(POLQ):c.1460A>G (p.Asp487Gly)

Gene: POLQ (DNA polymerase theta; minus strand). Cytogenetic location: 3q13.33.
Variant type: single nucleotide variant.
Coding change: c.1460A>G on transcript NM_199420.4 (MANE Select); coding-DNA position 1460, A replaced by G.
Protein change: p.Asp487Gly; replaces aspartic acid 487 with glycine.
Molecular consequence: missense variant.
Genome position (GRCh38, 1-based): chr3:121,519,879, T>C on the plus strand (A>G on the coding strand, the complement: POLQ is on the minus strand). VCF-style: chr3-121519879-T-C. GRCh37 (hg19) VCF-style: chr3-121238726-T-C.
Other names: short protein forms D487G.
Identifiers: ClinVar variation 1773148 (VCV001773148.3), dbSNP rs1289568676, ClinGen allele CA354118882.

ClinVar aggregate classification (germline): Uncertain significance (1 of 4 stars; one submission).

Allele frequency attached by ClinVar (database versions not stated): gnomAD exomes below 0.00001; TOPMed below 0.00001.
gnomAD v4.1: 5 of 1,538,548 alleles (0.00032%); highest among the groups gnomAD compares: East Asian, 0.0045%; no homozygotes.

Submission:

Ambry Genetics
Classification: Uncertain significance. Last evaluated: 2024-06-19. Review status: criteria provided, single submitter. Criteria: Ambry Variant Classification Scheme 2023. Collection method: clinical testing. Allele origin: germline.
Comment: The p.D487G variant (also known as c.1460A>G), located in coding exon 9 of the POLQ gene, results from an A to G substitution at nucleotide position 1460. The aspartic acid at codon 487 is replaced by glycine, an amino acid with similar properties. This amino acid position is conserved. In addition, this alteration is predicted to be deleterious by in silico analysis. Since supporting evidence is limited at this time, the clinical significance of this alteration remains unclear.